The following is an entry in ClinVar:

NM_016953.4(PDE11A):c.1825G>A (p.Asp609Asn)

Gene: PDE11A (phosphodiesterase 11A; minus strand). Cytogenetic location: 2q31.2.
Variant type: single nucleotide variant.
Coding change: c.1825G>A on transcript NM_016953.4 (MANE Select); coding-DNA position 1825, G replaced by A.
Protein change: p.Asp609Asn; replaces aspartic acid 609 with asparagine.
Molecular consequence: missense variant.
Genome position (GRCh38, 1-based): chr2:177,728,136, C>T on the plus strand (G>A on the coding strand, the complement: PDE11A is on the minus strand). VCF-style: chr2-177728136-C-T. GRCh37 (hg19) VCF-style: chr2-178592864-C-T.
Other names: c.493G>A, p.Asp165Asn (NM_001077196.2); c.1075G>A, p.Asp359Asn (NM_001077197.2); c.751G>A, p.Asp251Asn (NM_001077358.2); short protein forms D251N, D359N, D165N, D609N.
Identifiers: ClinVar variation 790257 (VCV000790257.32), dbSNP rs77934668, ClinGen allele CA1981802.
Genomic context (GRCh38, chr2:177,728,136, plus strand): 5'-GGAGAGCAGCTGTGATCATGGCATCAACGTCGAGAGAAAAGTCATCAAAATGAATGTCAT[C>T]GATGGCAAGTTCTGACACCAGAGGGATGTTGGCTGCCTAGAAAAGCAAAAGACATAAGTC-3'
Protein context (NP_058649.3, residues 599-619): NIPLVSELAI[Asp609Asn]DIHFDDFSLD

ClinVar aggregate classification (germline): Conflicting classifications of pathogenicity. Review status: criteria provided, conflicting classifications (1 of 4 stars). 4 submissions from 4 submitters: Uncertain significance (1); Benign (1); Likely benign (1). 1 of the submissions does not count toward it. Last evaluated 2022-12-01.

Conditions:
PDE11A-related disorder. Also called: PDE11A-related condition.

Allele frequency attached by ClinVar (database versions not stated): 1000 Genomes Project 30x 0.00016; 1000 Genomes Project 0.00020; gnomAD 0.00140 and 0.00166; ESP Exome Variant Server 0.00154; TOPMed 0.00182; gnomAD exomes 0.00210.
gnomAD v4.1: 3,257 of 1,612,938 alleles (0.2%); highest among the groups gnomAD compares: Non-Finnish European, 0.26%; 3 homozygotes.

Submissions (4):

CeGaT Center for Human Genetics Tuebingen
Classification: Benign. Last evaluated: 2022-12-01. Review status: criteria provided, single submitter. Criteria: CeGaT Center For Human Genetics Tuebingen Variant Classification Criteria Version 2. Collection method: clinical testing. Allele origin: germline. Affected: yes. Observed: 1 variant allele.
Comment: PDE11A: BS1, BS2

GeneDx
Classification: Uncertain significance. Last evaluated: 2020-10-23. Review status: criteria provided, single submitter. Criteria: GeneDx Variant Classification Process June 2021. Collection method: clinical testing. Allele origin: germline. Affected: yes.
Comment: Reported in individuals with ACTH-independent macronodular adrenocortical hyperplasia or testicular germ cell tumor, but familial segregation information was not provided and the variant was also identified in control groups (Libe et al., 2008; Pathak et al., 2015); Published functional studies demonstrate a damaging effect: decreased enzymatic activity and cAMP hydrolysis rates (Azevedo et al., 2014); This variant is associated with the following publications: (PMID: 22996146, 19549888, 23771924, 18559625, 20881257, 26459559)

Labcorp Genetics (formerly Invitae), Labcorp
Classification: Likely benign. Last evaluated: 2019-12-31. Review status: criteria provided, single submitter. Criteria: Invitae Variant Classification Sherloc (09022015). Collection method: clinical testing. Allele origin: germline.

PreventionGenetics, part of Exact Sciences
Classification: Likely benign for PDE11A-related condition. Last evaluated: 2020-11-07. Review status: no assertion criteria provided. Collection method: clinical testing. Allele origin: germline. Not counted in ClinVar's aggregate classification.
Comment: This variant is classified as likely benign based on ACMG/AMP sequence variant interpretation guidelines (Richards et al. 2015 PMID: 25741868, with internal and published modifications).